The following is an entry in ClinVar:

ClinVar aggregate classification (germline): Conflicting classifications of pathogenicity. Review status: criteria provided, conflicting classifications (1 of 4 stars). 2 submissions from 2 submitters: Uncertain significance (1); Likely benign (1). Last evaluated 2023-04-07.

Conditions:
Hereditary cancer-predisposing syndrome. Also called: Neoplastic Syndromes, Hereditary; Tumor predisposition; Hereditary Cancer Syndrome; Hereditary neoplastic syndrome. Identifiers: Orphanet 140162, MedGen C0027672, MeSH D009386, MONDO:0015356.

gnomAD v4.1: 1 of 1,609,334 alleles (0.000062%); no homozygotes.

Submissions (2):

Labcorp Genetics (formerly Invitae), Labcorp
Classification: Likely benign. Last evaluated: 2023-04-07. Review status: criteria provided, single submitter. Criteria: Invitae Variant Classification Sherloc (09022015). Collection method: clinical testing. Allele origin: germline.

Ambry Genetics
Classification: Uncertain significance for Hereditary cancer-predisposing syndrome. Last evaluated: 2020-12-01. Review status: criteria provided, single submitter. Criteria: Ambry Variant Classification Scheme 2023. Collection method: clinical testing. Allele origin: germline.
Comment: The c.3001-3T>C intronic variant results from a T to C substitution 3 nucleotides upstream from coding exon 22 in the MSH3 gene. This nucleotide position is well conserved in available vertebrate species. In silico splice site analysis predicts that this alteration will not have any significant effect on splicing. Since supporting evidence is limited at this time, the clinical significance of this alteration remains unclear.

NM_002439.5(MSH3):c.3001-3T>C

Gene: MSH3 (mutS homolog 3; plus strand). Cytogenetic location: 5q14.1.
Variant type: single nucleotide variant.
Coding change: c.3001-3T>C on transcript NM_002439.5 (MANE Select); 3 bases into the intron before coding-DNA position 3001, T replaced by C.
Molecular consequence: intron variant.
Genome position (GRCh38, 1-based): chr5:80,864,810, T>C. VCF-style: chr5-80864810-T-C. GRCh37 (hg19) VCF-style: chr5-80160629-T-C.
Identifiers: ClinVar variation 1798699 (VCV001798699.5), dbSNP rs2478788965, ClinGen allele CA2580073564.